The following is an entry in ClinVar:

ClinVar aggregate classification (germline): Likely benign (0 of 4 stars; one submission).

Conditions:
PKP1-related disorder. Also called: PKP1-related condition.

Allele frequency attached by ClinVar (database versions not stated): gnomAD 0.00001; TOPMed 0.00001; ExAC 0.00003.
gnomAD v4.1: 53 of 1,613,396 alleles (0.0033%); highest among the groups gnomAD compares: East Asian, 0.062%; no homozygotes.

Submission:

PreventionGenetics, part of Exact Sciences
Classification: Likely benign for PKP1-related condition. Last evaluated: 2023-05-22. Review status: no assertion criteria provided. Collection method: clinical testing. Allele origin: germline.
Comment: This variant is classified as likely benign based on ACMG/AMP sequence variant interpretation guidelines (Richards et al. 2015 PMID: 25741868, with internal and published modifications).

NM_001005337.3(PKP1):c.202+7G>C

Gene: PKP1 (plakophilin 1; plus strand). Cytogenetic location: 1q32.1.
Variant type: single nucleotide variant.
Coding change: c.202+7G>C on transcript NM_001005337.3 (MANE Select); 7 bases into the intron after coding-DNA position 202, G replaced by C.
Molecular consequence: intron variant.
Genome position (GRCh38, 1-based): chr1:201,283,911, G>C. VCF-style: chr1-201283911-G-C. GRCh37 (hg19) VCF-style: chr1-201253039-G-C.
Other names: c.202+7G>C (NM_000299.4).
Identifiers: ClinVar variation 3059615 (VCV003059615.2), dbSNP rs373397502, ClinGen allele CA1323990.